The following is an entry in ClinVar:

ClinVar aggregate classification (germline): Uncertain significance (1 of 4 stars; one submission).

gnomAD v4.1: 16 of 1,614,094 alleles (0.00099%); highest among the groups gnomAD compares: Middle Eastern, 0.049%; no homozygotes.

Submission:

GeneDx
Classification: Uncertain significance. Last evaluated: 2026-04-07. Review status: criteria provided, single submitter. Criteria: GeneDx Variant Classification Process June 2021. Collection method: clinical testing. Allele origin: germline.
Comment: In silico analysis suggests that this missense variant does not alter protein structure/function; Has not been previously published as pathogenic or benign to our knowledge

NM_020318.3(PAPPA2):c.121A>T (p.Asn41Tyr)

Gene: PAPPA2 (pappalysin 2; plus strand). Cytogenetic location: 1q25.2.
Variant type: single nucleotide variant.
Coding change: c.121A>T on transcript NM_020318.3 (MANE Select); coding-DNA position 121, A replaced by T.
Protein change: p.Asn41Tyr; replaces asparagine 41 with tyrosine.
Molecular consequence: missense variant.
Genome position (GRCh38, 1-based): chr1:176,556,443, A>T. VCF-style: chr1-176556443-A-T. GRCh37 (hg19) VCF-style: chr1-176525579-A-T.
Other names: c.121A>T, p.Asn41Tyr (NM_021936.3); short protein forms N41Y.
Identifiers: ClinVar variation 5018264 (VCV005018264.1).
Genomic context (GRCh38, chr1:176,556,443, plus strand): 5'-TCTGCCAACTCTGAGCTGGGCTGGACACGCAAGAAATCCTTGGTTGAGAGGGAACACCTG[A>T]ATCAGGTGCTGTTGGAAGGAGAACGTTGTTGGCTGGGGGCCAAGGTTCGAAGACCCAGAG-3'
Protein context (NP_064714.2, residues 31-51): KKSLVEREHL[Asn41Tyr]QVLLEGERCW